The following is an entry in ClinVar:

NM_004370.6(COL12A1):c.233A>C (p.Glu78Ala)

Gene: COL12A1 (collagen type XII alpha 1 chain; minus strand). Cytogenetic location: 6q13.
Variant type: single nucleotide variant.
Coding change: c.233A>C on transcript NM_004370.6 (MANE Select); coding-DNA position 233, A replaced by C.
Protein change: p.Glu78Ala; replaces glutamic acid 78 with alanine.
Molecular consequence: missense variant. On other transcripts: intron variant (2).
Genome position (GRCh38, 1-based): chr6:75,192,313, T>G on the plus strand (A>C on the coding strand, the complement: COL12A1 is on the minus strand). VCF-style: chr6-75192313-T-G. GRCh37 (hg19) VCF-style: chr6-75902029-T-G.
Other names: c.233A>C, p.Glu78Ala (NM_001424113.1, NM_001424114.1, NM_001424115.1); c.73+10407A>C (NM_001424116.1, NM_080645.3); short protein forms E78A.
Identifiers: ClinVar variation 3754531 (VCV003754531.2).

ClinVar aggregate classification (germline): Uncertain significance (1 of 4 stars; one submission).

Conditions:
Ullrich congenital muscular dystrophy 2 (UCMD2). Identifiers: Orphanet 75840, MedGen C4225314, MONDO:0014654, OMIM 616470.
Bethlem myopathy 2 (BTHLM2). Identifiers: Orphanet 536516, Orphanet 610, MedGen C4225313, MONDO:0034022, OMIM 616471.

Submission:

Labcorp Genetics (formerly Invitae), Labcorp
Classification: Uncertain significance for Bethlem myopathy 2; Ullrich congenital muscular dystrophy 2. Last evaluated: 2024-02-08. Review status: criteria provided, single submitter. Criteria: Invitae Variant Classification Sherloc (09022015). Collection method: clinical testing. Allele origin: germline.
Comment: This sequence change replaces glutamic acid, which is acidic and polar, with alanine, which is neutral and non-polar, at codon 78 of the COL12A1 protein (p.Glu78Ala). This variant is not present in population databases (gnomAD no frequency). This variant has not been reported in the literature in individuals affected with COL12A1-related conditions. Advanced modeling of protein sequence and biophysical properties (such as structural, functional, and spatial information, amino acid conservation, physicochemical variation, residue mobility, and thermodynamic stability) performed at Invitae indicates that this missense variant is not expected to disrupt COL12A1 protein function with a negative predictive value of 80%. In summary, the available evidence is currently insufficient to determine the role of this variant in disease. Therefore, it has been classified as a Variant of Uncertain Significance.